The following is an entry in ClinVar:

NM_001174147.2(LMX1B):c.835C>T (p.Arg279Trp)

Gene: LMX1B (LIM homeobox transcription factor 1 beta; plus strand). Cytogenetic location: 9q33.3.
Variant type: single nucleotide variant.
Coding change: c.835C>T on transcript NM_001174147.2 (MANE Select); coding-DNA position 835, C replaced by T.
Protein change: p.Arg279Trp; replaces arginine 279 with tryptophan.
Molecular consequence: missense variant.
Genome position (GRCh38, 1-based): chr9:126,693,761, C>T. VCF-style: chr9-126693761-C-T. GRCh37 (hg19) VCF-style: chr9-129456040-C-T.
Other names: c.835C>T, p.Arg279Trp (NM_001174146.2, NM_002316.4); short protein forms R279W.
Identifiers: ClinVar variation 3351536 (VCV003351536.1).

ClinVar aggregate classification (germline): Uncertain significance (0 of 4 stars; one submission).

Conditions:
LMX1B-related disorder. Also called: LMX1B-related condition.

gnomAD v4.1: 5 of 1,540,336 alleles (0.00032%); highest among the groups gnomAD compares: East Asian, 0.0024%; no homozygotes.

Submission:

PreventionGenetics, part of Exact Sciences
Classification: Uncertain significance for LMX1B-related condition. Last evaluated: 2024-05-31. Review status: no assertion criteria provided. Collection method: clinical testing. Allele origin: germline.
Comment: The LMX1B c.835C>T variant is predicted to result in the amino acid substitution p.Arg279Trp. To our knowledge, this variant has not been reported in the literature or in a large population database, indicating this variant is rare. At PreventionGenetics, we have observed this variant in five individuals with varied renal phenotypes (internal data). This variant occurs in a missense constrained region of the protein. Although we suspect this variant could be pathogenic, at this time, the clinical significance of this variant is uncertain due to the absence of conclusive functional and genetic evidence.